The following is an entry in ClinVar:

NM_007078.3(LDB3):c.690-4616C>T

Genes: LDB3 (LIM domain binding 3; plus strand), LOC110121486 (VISTA enhancer hs2143; plus strand). Cytogenetic location: 10q23.2.
Variant type: single nucleotide variant.
Coding change: c.690-4616C>T on transcript NM_007078.3 (MANE Select); 4616 bases into the intron before coding-DNA position 690, C replaced by T.
Molecular consequence: intron variant.
Genome position (GRCh38, 1-based): chr10:86,687,280, C>T. VCF-style: chr10-86687280-C-T. GRCh37 (hg19) VCF-style: chr10-88447037-C-T.
Other names: c.690-4616C>T (NM_001368064.1, NM_001368063.1, NM_001368065.1 and 1 more transcripts); c.548+8C>T (NM_001368068.1, NM_001368066.1, NM_001080114.2 and 2 more transcripts); c.893+8C>T (NM_001171610.2, NM_001171611.2).
Identifiers: ClinVar variation 1546974 (VCV001546974.32), dbSNP rs757618215, ClinGen allele CA5584843.

ClinVar aggregate classification (germline): Likely benign. Review status: criteria provided, multiple submitters, no conflicts (2 of 4 stars). 2 submissions from 2 submitters: Likely benign (2). Last evaluated 2025-10-01.

Conditions:
Myofibrillar myopathy 4. Also called: Zaspopathy (type). Identifiers: Orphanet 98912, MedGen C4721886, MONDO:0012277, OMIM 609452.

Allele frequency attached by ClinVar (database versions not stated): gnomAD exomes below 0.00001; ExAC 0.00001; gnomAD 0.00001.
gnomAD v4.1: 5 of 1,613,504 alleles (0.00031%); highest among the groups gnomAD compares: Non-Finnish European, 0.00025%; no homozygotes.

Submissions (2):

CeGaT Center for Human Genetics Tuebingen
Classification: Likely benign. Last evaluated: 2025-10-01. Review status: criteria provided, single submitter. Criteria: CeGaT Center For Human Genetics Tuebingen Variant Classification Criteria Version 2. Collection method: clinical testing. Allele origin: germline. Affected: yes. Observed: 3 variant alleles.
Comment: LDB3: BP4

Labcorp Genetics (formerly Invitae), Labcorp
Classification: Likely benign for Myofibrillar myopathy 4. Last evaluated: 2023-09-27. Review status: criteria provided, single submitter. Criteria: Invitae Variant Classification Sherloc (09022015). Collection method: clinical testing. Allele origin: germline.